The following is an entry in ClinVar:

ClinVar aggregate classification (germline): Uncertain significance (1 of 4 stars; one submission).

Conditions:
Supravalvar aortic stenosis (SVAS). Also called: Supravalvar aortic stenosis, Eisenberg type. Identifiers: Orphanet 3193, MedGen C0003499, MONDO:0008504, OMIM 185500, HP:0004381.

gnomAD v4.1: 5 of 1,613,976 alleles (0.00031%); highest among the groups gnomAD compares: Non-Finnish European, 0.00042%; no homozygotes.

Submission:

Labcorp Genetics (formerly Invitae), Labcorp
Classification: Uncertain significance for Supravalvar aortic stenosis. Last evaluated: 2024-05-10. Review status: criteria provided, single submitter. Criteria: Invitae Variant Classification Sherloc (09022015). Collection method: clinical testing. Allele origin: germline.
Comment: This sequence change replaces serine, which is neutral and polar, with proline, which is neutral and non-polar, at codon 124 of the ELN protein (p.Ser124Pro). This variant is not present in population databases (gnomAD no frequency). This variant has not been reported in the literature in individuals affected with ELN-related conditions. Advanced modeling of protein sequence and biophysical properties (such as structural, functional, and spatial information, amino acid conservation, physicochemical variation, residue mobility, and thermodynamic stability) performed at Invitae indicates that this missense variant is not expected to disrupt ELN protein function with a negative predictive value of 80%. In summary, the available evidence is currently insufficient to determine the role of this variant in disease. Therefore, it has been classified as a Variant of Uncertain Significance.

NM_000501.4(ELN):c.370T>C (p.Ser124Pro)

Gene: ELN (elastin; plus strand). Cytogenetic location: 7q11.23.
Variant type: single nucleotide variant.
Coding change: c.370T>C on transcript NM_000501.4 (MANE Select); coding-DNA position 370, T replaced by C.
Protein change: p.Ser124Pro; replaces serine 124 with proline.
Molecular consequence: missense variant.
Genome position (GRCh38, 1-based): chr7:74,043,028, T>C. VCF-style: chr7-74043028-T-C. GRCh37 (hg19) VCF-style: chr7-73457358-T-C.
Other names: c.340T>C, p.Ser114Pro (NM_001081752.3, NM_001278914.2, NM_001278917.2 and 1 more transcripts); c.370T>C, p.Ser124Pro (NM_001081753.3, NM_001081754.3, NM_001081755.3 and 4 more transcripts); c.334T>C, p.Ser112Pro (NM_001278913.2); short protein forms S112P, S114P, S124P.
Identifiers: ClinVar variation 3614557 (VCV003614557.2).